The following is an entry in ClinVar:

NM_002661.5(PLCG2):c.416C>T (p.Pro139Leu)

Gene: PLCG2 (phospholipase C gamma 2; plus strand). Cytogenetic location: 16q23.3.
Variant type: single nucleotide variant.
Coding change: c.416C>T on transcript NM_002661.5 (MANE Select); coding-DNA position 416, C replaced by T.
Protein change: p.Pro139Leu; replaces proline 139 with leucine.
Molecular consequence: missense variant.
Genome position (GRCh38, 1-based): chr16:81,858,341, C>T. VCF-style: chr16-81858341-C-T. GRCh37 (hg19) VCF-style: chr16-81891946-C-T.
Other names: short protein forms P139L.
Identifiers: ClinVar variation 639296 (VCV000639296.10), dbSNP rs1597358022, ClinGen allele CA396901643.
Genomic context (GRCh38, chr16:81,858,341, plus strand): 5'-CAGTTAACTGGCTCTCTGGCTTGAAAATCTTACACCAGGAAGCGATGAATGCGTCCACGC[C>T]CACCATTATCGAGAGGTAGTTGGCTTTTGCCTGTTGATTTGCGTAGTTGCTGATTCCTTT-3'
Protein context (NP_002652.2, residues 129-149): LHQEAMNAST[Pro139Leu]TIIESWLRKQ

ClinVar aggregate classification (germline): Uncertain significance (1 of 4 stars; one submission).

Conditions:
Familial cold autoinflammatory syndrome 3 (FCAS3). Also called: FAMILIAL ATYPICAL COLD URTICARIA; ANTIBODY DEFICIENCY AND IMMUNE DYSREGULATION, PLCG2-ASSOCIATED. Identifiers: Orphanet 300359, MedGen C3280914, MONDO:0013766, OMIM 614468.

Allele frequency attached by ClinVar (database versions not stated): gnomAD exomes below 0.00001.
gnomAD v4.1: 2 of 1,613,110 alleles (0.00012%); highest among the groups gnomAD compares: Non-Finnish European, 0.00017%; no homozygotes.

Submission:

Labcorp Genetics (formerly Invitae), Labcorp
Classification: Uncertain significance for Familial cold autoinflammatory syndrome 3. Last evaluated: 2019-01-31. Review status: criteria provided, single submitter. Criteria: Invitae Variant Classification Sherloc (09022015). Collection method: clinical testing. Allele origin: germline.
Comment: This variant is not present in population databases (ExAC no frequency). This sequence change replaces proline with leucine at codon 139 of the PLCG2 protein (p.Pro139Leu). The proline residue is highly conserved and there is a moderate physicochemical difference between proline and leucine. In summary, the available evidence is currently insufficient to determine the role of this variant in disease. Therefore, it has been classified as a Variant of Uncertain Significance. Algorithms developed to predict the effect of missense changes on protein structure and function are either unavailable or do not agree on the potential impact of this missense change (SIFT: "Tolerated"; PolyPhen-2: "Probably Damaging"; Align-GVGD: "Class C0"). This variant has not been reported in the literature in individuals with PLCG2-related conditions.